The following is an entry in ClinVar:

ClinVar aggregate classification (germline): Conflicting classifications of pathogenicity. Review status: criteria provided, conflicting classifications (1 of 4 stars). 4 submissions from 4 submitters: Uncertain significance (2); Likely benign (2). Last evaluated 2026-07-17.

Conditions:
RAI1-related disorder. Also called: RAI1-related condition.
Inborn genetic diseases. Identifiers: MedGen C0950123, MeSH D030342.

Allele frequency attached by ClinVar (database versions not stated): gnomAD exomes 0.00001; ExAC 0.00002; TOPMed 0.00002; gnomAD 0.00003.
gnomAD v4.1: 22 of 1,612,828 alleles (0.0014%); highest among the groups gnomAD compares: South Asian, 0.0088%; no homozygotes.

Submissions (4):

PreventionGenetics, part of Exact Sciences
Classification: Uncertain significance for RAI1-related condition. Last evaluated: 2026-07-17. Review status: criteria provided, single submitter. Criteria: ACMG Guidelines, 2015. Collection method: clinical testing. Allele origin: germline.
Comment: The RAI1 c.776C>T variant is predicted to result in the amino acid substitution p.Pro259Leu. To our knowledge, this variant has not been reported in the literature. This variant is reported in 0.0027% of alleles in individuals of European (Non-Finnish) descent in gnomAD. At this time, the clinical significance of this variant is uncertain due to the absence of conclusive functional and genetic evidence.

Labcorp Genetics (formerly Invitae), Labcorp
Classification: Likely benign. Last evaluated: 2026-01-19. Review status: criteria provided, single submitter. Criteria: Invitae Variant Classification Sherloc (09022015). Collection method: clinical testing. Allele origin: germline.

Ambry Genetics
Classification: Uncertain significance for Inborn genetic diseases. Last evaluated: 2017-04-04. Review status: criteria provided, single submitter. Criteria: Ambry Variant Classification Scheme 2023. Collection method: clinical testing. Allele origin: germline.
Comment: The p.P259L variant (also known as c.776C>T), located in coding exon 1 of the RAI1 gene, results from a C to T substitution at nucleotide position 776. The proline at codon 259 is replaced by leucine, an amino acid with similar properties. This amino acid position is not well conserved in available vertebrate species. In addition, this alteration is predicted to be tolerated by in silico analysis. Since supporting evidence is limited at this time, the clinical significance of this alteration remains unclear.

Genetic Services Laboratory, University of Chicago
Classification: Likely benign. Last evaluated: 2016-07-11. Review status: criteria provided, single submitter. Criteria: ACMG Guidelines, 2015. Collection method: clinical testing. Allele origin: germline. Affected: no.

NM_030665.4(RAI1):c.776C>T (p.Pro259Leu)

Gene: RAI1 (retinoic acid induced 1; plus strand). Cytogenetic location: 17p11.2.
Variant type: single nucleotide variant.
Coding change: c.776C>T on transcript NM_030665.4 (MANE Select); coding-DNA position 776, C replaced by T.
Protein change: p.Pro259Leu; replaces proline 259 with leucine.
Molecular consequence: missense variant.
Genome position (GRCh38, 1-based): chr17:17,793,724, C>T. VCF-style: chr17-17793724-C-T. GRCh37 (hg19) VCF-style: chr17-17697038-C-T.
Other names: short protein forms P259L.
Identifiers: ClinVar variation 436493 (VCV000436493.19), dbSNP rs758661378, ClinGen allele CA8418188.
Genomic context (GRCh38, chr17:17,793,724, plus strand): 5'-GCACAGCACCGACTGCCCAGCCCCATGACAGGCCGCTGACTGCCAGCTCCAGCCTGGCCC[C>T]GGGGCAGCGGGTCCAGAATCTTCATGCCTACCAGTCGGGCCGCCTCAGCTATGACCAGCA-3'
Protein context (NP_109590.3, residues 249-269): RPLTASSSLA[Pro259Leu]GQRVQNLHAY